The following is an entry in ClinVar:

ClinVar aggregate classification (germline): Uncertain significance (1 of 4 stars; one submission).

Submission:

Labcorp Genetics (formerly Invitae), Labcorp
Classification: Uncertain significance. Last evaluated: 2022-08-09. Review status: criteria provided, single submitter. Criteria: Invitae Variant Classification Sherloc (09022015). Collection method: clinical testing. Allele origin: germline.
Comment: This variant has not been reported in the literature in individuals affected with PYROXD1-related conditions. This variant is not present in population databases (gnomAD no frequency). This sequence change replaces histidine, which is basic and polar, with aspartic acid, which is acidic and polar, at codon 256 of the PYROXD1 protein (p.His256Asp). ClinVar contains an entry for this variant (Variation ID: 1345227). In summary, the available evidence is currently insufficient to determine the role of this variant in disease. Therefore, it has been classified as a Variant of Uncertain Significance. Algorithms developed to predict the effect of missense changes on protein structure and function are either unavailable or do not agree on the potential impact of this missense change (SIFT: "Deleterious"; PolyPhen-2: "Benign"; Align-GVGD: "Class C0").

NM_024854.5(PYROXD1):c.766C>G (p.His256Asp)

Gene: PYROXD1 (pyridine nucleotide-disulphide oxidoreductase domain 1; plus strand). Cytogenetic location: 12p12.1.
Variant type: single nucleotide variant.
Coding change: c.766C>G on transcript NM_024854.5 (MANE Select); coding-DNA position 766, C replaced by G.
Protein change: p.His256Asp; replaces histidine 256 with aspartic acid.
Molecular consequence: missense variant. On other transcripts: 5 prime UTR variant (1).
Genome position (GRCh38, 1-based): chr12:21,461,040, C>G. VCF-style: chr12-21461040-C-G. GRCh37 (hg19) VCF-style: chr12-21613974-C-G.
Other names: c.553C>G, p.His185Asp (NM_001350912.2); c.-12C>G (NM_001350913.2); short protein forms H185D, H256D.
Identifiers: ClinVar variation 1345227 (VCV001345227.8), dbSNP rs753817551, ClinGen allele CA384109054.